The following is an entry in ClinVar:

NM_003072.5(SMARCA4):c.962_973dup (p.Pro324_Val325insAlaAlaSerPro)

Gene: SMARCA4 (SWI/SNF related BAF chromatin remodeling complex subunit ATPase 4; plus strand). Cytogenetic location: 19p13.2.
Variant type: Duplication.
Coding change: c.962_973dup on transcript NM_003072.5 (MANE Select); coding-DNA positions 962 to 973, 12 bases duplicated (CCGCCTCGCCCG).
Protein change: p.Pro324_Val325insAlaAlaSerPro.
Molecular consequence: inframe insertion. On other transcripts: inframe indel (1), non-coding transcript variant (1).
Genome position (GRCh38, 1-based): chr19:10,987,768-10,987,779, CCGCCTCGCCCG duplicated; duplicating any 12 consecutive bases within chr19:10,987,764-10,987,779 gives the same sequence; the c. name uses the placement nearest the transcript's 3' end. VCF-style (leftmost placement, unchanged base first): chr19-10987763-A-ACCCGCCGCCTCG. GRCh37 (hg19) VCF-style: chr19-11098439-A-ACCCGCCGCCTCG.
Other names: c.962_973dup, p.Pro324_Val325insAlaAlaSerPro (NM_001128844.3, NM_001128845.2, NM_001128846.2 and 6 more transcripts).
Identifiers: ClinVar variation 1767601 (VCV001767601.7), dbSNP rs2514043944, ClinGen allele CA2580096336.
Genomic context (GRCh38, chr19:10,987,763, plus strand): 5'-TCAGAAGCTGATTCCCCCGCAGCCAACGGGCCGCCCTTCCCCCGCGCCCCCTGCCGTCCC[A>ACCCGCCGCCTCG]CCCGCCGCCTCGCCCGTGATGCCACCGCAGACCCAGTCCCCCGGGCAGCCGGCCCAGCCC-3'

ClinVar aggregate classification (germline): Uncertain significance. Review status: criteria provided, multiple submitters, no conflicts (2 of 4 stars). 2 submissions from 2 submitters: Uncertain significance (2). Last evaluated 2023-09-26.

Conditions:
Hereditary cancer-predisposing syndrome. Also called: Hereditary Cancer Syndrome; Hereditary neoplastic syndrome; Neoplastic Syndromes, Hereditary; Tumor predisposition. Identifiers: Orphanet 140162, MedGen C0027672, MeSH D009386, MONDO:0015356.
Rhabdoid tumor predisposition syndrome 2 (RTPS2). Identifiers: Orphanet 231108, Orphanet 69077, MedGen C2750074, MONDO:0013224, OMIM 613325.

Submissions (2):

Ambry Genetics
Classification: Uncertain significance for Hereditary cancer-predisposing syndrome. Last evaluated: 2023-09-26. Review status: criteria provided, single submitter. Criteria: Ambry Variant Classification Scheme 2023. Collection method: clinical testing. Allele origin: germline.
Comment: The c.962_973dup12 variant (also known as p.A321_P324dup), located in coding exon 5 of the SMARCA4 gene, results from an in-frame duplication of 12 nucleotides at nucleotide positions 962 to 973. This results in the duplication of 4 extra residues (AASP) between codons 321 and 324. This amino acid region is well conserved in available vertebrate species. Missense and in-frame variants in SMARCA4 are known to cause neurodevelopmental disorders; however, such associations with rhabdoid tumor predisposition syndrome including small cell carcinoma of the ovary-hypercalcemic type (SCCOHT) are exceedingly rare (Kosho T et al. Am J Med Genet C Semin Med Genet. 2014 Sep;166C(3):262-75; Jelinic P et al. Nat Genet. 2014 May;46(5):424-6). Since supporting evidence is limited at this time, the clinical significance of this alteration remains unclear.

Labcorp Genetics (formerly Invitae), Labcorp
Classification: Uncertain significance for Rhabdoid tumor predisposition syndrome 2. Last evaluated: 2022-02-08. Review status: criteria provided, single submitter. Criteria: Invitae Variant Classification Sherloc (09022015). Collection method: clinical testing. Allele origin: germline.
Comment: This variant, c.962_973dup, results in the insertion of 4 amino acid(s) of the SMARCA4 protein (p.Ala321_Pro324dup), but otherwise preserves the integrity of the reading frame. This variant is not present in population databases (gnomAD no frequency). This variant has not been reported in the literature in individuals affected with SMARCA4-related conditions. In summary, the available evidence is currently insufficient to determine the role of this variant in disease. Therefore, it has been classified as a Variant of Uncertain Significance.